The following is an entry in ClinVar:

NM_001035.3(RYR2):c.7788T>C (p.Val2596=)

Gene: RYR2 (ryanodine receptor 2; plus strand). Cytogenetic location: 1q43.
Variant type: single nucleotide variant.
Coding change: c.7788T>C on transcript NM_001035.3 (MANE Select); coding-DNA position 7788, T replaced by C.
Protein change: p.Val2596=; no amino-acid change (valine 2596 retained).
Molecular consequence: synonymous variant.
Genome position (GRCh38, 1-based): chr1:237,651,465, T>C. VCF-style: chr1-237651465-T-C. GRCh37 (hg19) VCF-style: chr1-237814765-T-C.
Identifiers: ClinVar variation 2568267 (VCV002568267.3), dbSNP rs764871146, ClinGen allele CA087494.
Genomic context (GRCh38, chr1:237,651,465, plus strand): 5'-CAACAGACAACTGAGACCTTCTATGATGCAGCACTTACTCAGAAGATTAGTATTTGATGT[T>C]CCATTATTAAATGAACACGCAAAGATGCCTCTTAAAGTAAGTATAGGAAATGTTTGTAGA-3'
Protein context (NP_001026.2, residues 2586-2606): QHLLRRLVFD[Val2596=]PLLNEHAKMP

ClinVar aggregate classification (germline): Likely benign. Review status: criteria provided, multiple submitters, no conflicts (2 of 4 stars). 2 submissions from 2 submitters: Likely benign (2). Last evaluated 2023-05-01.

Conditions:
Cardiovascular phenotype. Identifiers: MedGen CN230736.
Catecholaminergic polymorphic ventricular tachycardia (CVPT). Also called: Catecholamine-induced polymorphic ventricular tachycardia. Identifiers: Orphanet 3286, MedGen C5574922, MONDO:0017990.

Allele frequency attached by ClinVar (database versions not stated): gnomAD exomes below 0.00001; TOPMed 0.00001; ExAC 0.00004.
gnomAD v4.1: 4 of 1,591,418 alleles (0.00025%); highest among the groups gnomAD compares: Non-Finnish European, 0.00026%; no homozygotes.

Submissions (2):

Ambry Genetics
Classification: Likely benign for Cardiovascular phenotype. Last evaluated: 2023-05-01. Review status: criteria provided, single submitter. Criteria: Ambry Variant Classification Scheme 2023. Collection method: clinical testing. Allele origin: germline.

All of Us Research Program, National Institutes of Health
Classification: Likely benign for Catecholaminergic polymorphic ventricular tachycardia. Last evaluated: 2022-11-28. Review status: criteria provided, single submitter. Criteria: ACMG Guidelines, 2015. Collection method: clinical testing. Allele origin: germline. Inheritance: Autosomal dominant inheritance. Observed: 1 variant allele, 1 heterozygote.
Comment: This study involves interpretation of variants in research participants for the purpose of population health screening. Participant phenotype was not available at the time of variant classification. Additional details can be found in publication PMID: 35346344, PMCID: PMC8962531